The following is an entry in ClinVar:

NM_000138.5(FBN1):c.8027C>G (p.Pro2676Arg)

Gene: FBN1 (fibrillin 1; minus strand). Cytogenetic location: 15q21.1.
Variant type: single nucleotide variant.
Coding change: c.8027C>G on transcript NM_000138.5 (MANE Select); coding-DNA position 8027, C replaced by G.
Protein change: p.Pro2676Arg; replaces proline 2676 with arginine.
Molecular consequence: missense variant.
Genome position (GRCh38, 1-based): chr15:48,415,560, G>C on the plus strand (C>G on the coding strand, the complement: FBN1 is on the minus strand). VCF-style: chr15-48415560-G-C. GRCh37 (hg19) VCF-style: chr15-48707757-G-C.
Other names: c.8027C>G, p.Pro2676Arg (NM_001406716.1); short protein forms P2676R.
Identifiers: ClinVar variation 3754037 (VCV003754037.2).
Genomic context (GRCh38, chr15:48,415,560, plus strand): 5'-GAATCTCCAACCATGACCAGGAAGAGCACTGCTTACCCTTGGCCTATGCGGAAGTAACCA[G>C]GTGGACAGCCACACAGGTAACCGCCCTCGGTATTGGAACAGCCATAGCTGCAGGGGGCCT-3'
Protein context (NP_000129.3, residues 2666-2686): TEGGYLCGCP[Pro2676Arg]GYFRIGQGHC

ClinVar aggregate classification (germline): Uncertain significance (1 of 4 stars; one submission).

Conditions:
Marfan syndrome (MFS). Also called: MARFAN SYNDROME, TYPE I; Marfan syndrome type 1; Marfan's syndrome; Marfan syndrome, classic; FBN1-Related Marfan Syndrome. Identifiers: Orphanet 284963, Orphanet 558, MedGen C0024796, MONDO:0007947, OMIM 154700.
Familial thoracic aortic aneurysm and aortic dissection (TAAD). Also called: Thoracic aortic aneurysms and dissections. Identifiers: Orphanet 91387, MedGen C4707243, MONDO:0019625.

Submission:

Labcorp Genetics (formerly Invitae), Labcorp
Classification: Uncertain significance for Marfan syndrome; Familial thoracic aortic aneurysm and aortic dissection. Last evaluated: 2025-01-28. Review status: criteria provided, single submitter. Criteria: Invitae Variant Classification Sherloc (09022015). Collection method: clinical testing. Allele origin: germline.
Comment: This sequence change replaces proline, which is neutral and non-polar, with arginine, which is basic and polar, at codon 2676 of the FBN1 protein (p.Pro2676Arg). This variant is not present in population databases (gnomAD no frequency). This variant has not been reported in the literature in individuals affected with FBN1-related conditions. Invitae Evidence Modeling of protein sequence and biophysical properties (such as structural, functional, and spatial information, amino acid conservation, physicochemical variation, residue mobility, and thermodynamic stability) has been performed for this missense variant. However, the output from this modeling did not meet the statistical confidence thresholds required to predict the impact of this variant on FBN1 protein function. In summary, the available evidence is currently insufficient to determine the role of this variant in disease. Therefore, it has been classified as a Variant of Uncertain Significance.